The following is an entry in ClinVar:

ClinVar aggregate classification (germline): Uncertain significance. Review status: criteria provided, multiple submitters, no conflicts (2 of 4 stars). 4 submissions from 4 submitters: Uncertain significance (4). Last evaluated 2025-05-11.

Conditions:
Progressive sclerosing poliodystrophy (MTDPS4A). Also called: NEURONAL DEGENERATION OF CHILDHOOD WITH LIVER DISEASE, PROGRESSIVE; ALPERS PROGRESSIVE INFANTILE POLIODYSTROPHY; Alpers-Huttenlocher Syndrome (AHS); Mitochondrial DNA depletion syndrome 4A (Alpers type); Mitochondrial DNA Depletion Syndrome 4A; Alpers Syndrome. Identifiers: Orphanet 726, MedGen C0205710, MONDO:0008758, OMIM 203700.
Inborn genetic diseases. Identifiers: MedGen C0950123, MeSH D030342.

gnomAD v4.1: 15 of 1,614,126 alleles (0.00093%); highest among the groups gnomAD compares: Admixed American, 0.012%; no homozygotes.

Submissions (4):

Labcorp Genetics (formerly Invitae), Labcorp
Classification: Uncertain significance for Progressive sclerosing poliodystrophy. Last evaluated: 2025-05-11. Review status: criteria provided, single submitter. Criteria: Invitae Variant Classification Sherloc (09022015). Collection method: clinical testing. Allele origin: germline.
Comment: This sequence change replaces valine, which is neutral and non-polar, with methionine, which is neutral and non-polar, at codon 712 of the POLG protein (p.Val712Met). This variant is present in population databases (no rsID available, gnomAD 0.01%). This variant has not been reported in the literature in individuals affected with POLG-related conditions. ClinVar contains an entry for this variant (Variation ID: 458701). Invitae Evidence Modeling of protein sequence and biophysical properties (such as structural, functional, and spatial information, amino acid conservation, physicochemical variation, residue mobility, and thermodynamic stability) indicates that this missense variant is not expected to disrupt POLG protein function with a negative predictive value of 95%. In summary, the available evidence is currently insufficient to determine the role of this variant in disease. Therefore, it has been classified as a Variant of Uncertain Significance.

Mayo Clinic Laboratories, Mayo Clinic
Classification: Uncertain significance. Last evaluated: 2023-04-18. Review status: criteria provided, single submitter. Criteria: ACMG Guidelines, 2015. Collection method: clinical testing. Allele origin: germline. Observed: 1 variant allele.

GeneDx
Classification: Uncertain significance. Last evaluated: 2022-02-05. Review status: criteria provided, single submitter. Criteria: GeneDx Variant Classification Process June 2021. Collection method: clinical testing. Allele origin: germline. Affected: yes.
Comment: Not observed at significant frequency in large population cohorts (gnomAD); In silico analysis supports that this missense variant does not alter protein structure/function; Has not been previously published as pathogenic or benign to our knowledge

Ambry Genetics
Classification: Uncertain significance for Inborn genetic diseases. Last evaluated: 2018-04-27. Review status: criteria provided, single submitter. Criteria: Ambry Variant Classification Scheme 2023. Collection method: clinical testing. Allele origin: germline.
Comment: The p.V712M variant (also known as c.2134G>A), located in coding exon 11 of the POLG gene, results from a G to A substitution at nucleotide position 2134. The valine at codon 712 is replaced by methionine, an amino acid with highly similar properties. This amino acid position is not well conserved in available vertebrate species. In addition, this alteration is predicted to be tolerated by in silico analysis. Since supporting evidence is limited at this time, the clinical significance of this alteration remains unclear.

NM_002693.3(POLG):c.2134G>A (p.Val712Met)

Gene: POLG (DNA polymerase gamma, catalytic subunit; minus strand). Cytogenetic location: 15q26.1.
Variant type: single nucleotide variant.
Coding change: c.2134G>A on transcript NM_002693.3 (MANE Select); coding-DNA position 2134, G replaced by A.
Protein change: p.Val712Met; replaces valine 712 with methionine.
Molecular consequence: missense variant.
Genome position (GRCh38, 1-based): chr15:89,323,838, C>T on the plus strand (G>A on the coding strand, the complement: POLG is on the minus strand). VCF-style: chr15-89323838-C-T. GRCh37 (hg19) VCF-style: chr15-89867069-C-T.
Other names: p.Val712Met; c.2134G>A, p.Val712Met (NM_001126131.2); short protein forms V712M.
Identifiers: ClinVar variation 458701 (VCV000458701.11), dbSNP rs748834542, ClinGen allele CA274550116.